The following is an entry in ClinVar:

NM_170606.3(KMT2C):c.10931C>T (p.Pro3644Leu)

Gene: KMT2C (lysine methyltransferase 2C; minus strand). Cytogenetic location: 7q36.1.
Variant type: single nucleotide variant.
Coding change: c.10931C>T on transcript NM_170606.3 (MANE Select); coding-DNA position 10931, C replaced by T.
Protein change: p.Pro3644Leu; replaces proline 3644 with leucine.
Molecular consequence: missense variant.
Genome position (GRCh38, 1-based): chr7:152,162,646, G>A on the plus strand (C>T on the coding strand, the complement: KMT2C is on the minus strand). VCF-style: chr7-152162646-G-A. GRCh37 (hg19) VCF-style: chr7-151859731-G-A.
Other names: short protein forms P3644L.
Identifiers: ClinVar variation 1285403 (VCV001285403.23), dbSNP rs2129103910, ClinGen allele CA370101892.

ClinVar aggregate classification (germline): Uncertain significance. Review status: criteria provided, multiple submitters, no conflicts (2 of 4 stars). 2 submissions from 2 submitters: Uncertain significance (2). Last evaluated 2024-01-01.

Conditions:
Kleefstra syndrome 2 (KLEFS2). Identifiers: MedGen C4540395, MONDO:0054701, OMIM 617768.

Allele frequency attached by ClinVar (database versions not stated): gnomAD exomes below 0.00001.
gnomAD v4.1: 1 of 1,614,242 alleles (0.000062%); highest among the groups gnomAD compares: Non-Finnish European, 0.000085%; no homozygotes.

Submissions (2):

CeGaT Center for Human Genetics Tuebingen
Classification: Uncertain significance. Last evaluated: 2024-01-01. Review status: criteria provided, single submitter. Criteria: CeGaT Center For Human Genetics Tuebingen Variant Classification Criteria Version 2. Collection method: clinical testing. Allele origin: germline. Affected: yes. Observed: 1 variant allele.
Comment: KMT2C: PM2

Institute of Human Genetics, University of Leipzig Medical Center
Classification: Uncertain significance for Kleefstra syndrome 2. Last evaluated: 2020-10-12. Review status: criteria provided, single submitter. Criteria: ACMG Guidelines, 2015. Collection method: clinical testing. Allele origin: unknown. Affected: yes.